The following is an entry in ClinVar:

NM_000540.3(RYR1):c.13160C>T (p.Thr4387Ile)

Gene: RYR1 (ryanodine receptor 1; plus strand). Cytogenetic location: 19q13.2.
Variant type: single nucleotide variant.
Coding change: c.13160C>T on transcript NM_000540.3 (MANE Select); coding-DNA position 13160, C replaced by T.
Protein change: p.Thr4387Ile; replaces threonine 4387 with isoleucine.
Molecular consequence: missense variant.
Genome position (GRCh38, 1-based): chr19:38,565,494, C>T. VCF-style: chr19-38565494-C-T. GRCh37 (hg19) VCF-style: chr19-39056134-C-T.
Other names: c.13145C>T, p.Thr4382Ile (NM_001042723.2); short protein forms T4382I, T4387I.
Identifiers: ClinVar variation 4282396 (VCV004282396.1).

ClinVar aggregate classification (germline): Uncertain significance (1 of 4 stars; one submission).

Submission:

GeneDx
Classification: Uncertain significance. Last evaluated: 2025-04-09. Review status: criteria provided, single submitter. Criteria: GeneDx Variant Classification Process June 2021. Collection method: clinical testing. Allele origin: germline. Affected: yes.
Comment: Not observed at significant frequency in large population cohorts (gnomAD); In silico analysis supports that this missense variant has a deleterious effect on protein structure/function; Has not been previously published as pathogenic or benign to our knowledge